The following is an entry in ClinVar:

NC_000003.12:g.(?_136250366)_(136250568_?)del

Gene: PCCB (propionyl-CoA carboxylase subunit beta; plus strand). Cytogenetic location: 3q22.3.
Variant type: Deletion.
Identifiers: ClinVar variation 653524 (VCV000653524.6).

ClinVar aggregate classification (germline): Pathogenic (1 of 4 stars; one submission).

Conditions:
Propionic acidemia (PROP). Also called: GLYCINEMIA, KETOTIC; HYPERGLYCINEMIA WITH KETOACIDOSIS AND LEUKOPENIA; KETOTIC HYPERGLYCINEMIA. Identifiers: Orphanet 35, MedGen C0268579, MONDO:0011628, OMIM 606054, HP:0003571.

Submission:

Labcorp Genetics (formerly Invitae), Labcorp
Classification: Pathogenic for Propionic acidemia. Last evaluated: 2022-05-29. Review status: criteria provided, single submitter. Criteria: Invitae Variant Classification Sherloc (09022015). Collection method: clinical testing. Allele origin: germline.
Comment: This variant is a gross deletion of the genomic region encompassing exon(s) 1 of the PCCB gene, which includes the initiator codon. This deletion extends beyond the assayed region for this gene and therefore may encompass additional genes. It is expected to result in an absent or disrupted protein product. Loss-of-function variants in PCCB are known to be pathogenic (PMID: 15464417). A similar copy number variant has been observed in individual(s) with propionic acidemia (PMID: 24863100). For these reasons, this variant has been classified as Pathogenic.

Literature cited by the submitters: PubMed 15464417; PubMed 24863100.